The following is an entry in ClinVar:

ClinVar aggregate classification (germline): Uncertain significance (1 of 4 stars; one submission).

Conditions:
Myofibrillar myopathy 4. Also called: Zaspopathy (type). Identifiers: Orphanet 98912, MedGen C4721886, MONDO:0012277, OMIM 609452.

Allele frequency attached by ClinVar (database versions not stated): gnomAD exomes below 0.00001 and 0.00001; ExAC 0.00001.
gnomAD v4.1: 6 of 1,612,880 alleles (0.00037%); highest among the groups gnomAD compares: African/African-American, 0.0027%; no homozygotes.

Submission:

Labcorp Genetics (formerly Invitae), Labcorp
Classification: Uncertain significance for Myofibrillar myopathy 4. Last evaluated: 2023-05-23. Review status: criteria provided, single submitter. Criteria: Invitae Variant Classification Sherloc (09022015). Collection method: clinical testing. Allele origin: germline.
Comment: Algorithms developed to predict the effect of sequence changes on RNA splicing suggest that this variant is not likely to affect RNA splicing. Experimental studies and prediction algorithms are not available or were not evaluated, and the functional significance of this variant is currently unknown. ClinVar contains an entry for this variant (Variation ID: 1571723). This variant has not been reported in the literature in individuals affected with LDB3-related conditions. This variant is present in population databases (rs758814399, gnomAD 0.002%). This sequence change replaces alanine, which is neutral and non-polar, with serine, which is neutral and polar, at codon 145 of the LDB3 protein (p.Ala145Ser). The LDB3 gene has multiple clinically relevant transcripts. This variant occurs in alternate transcript NM_007078.3, and corresponds to NM_001080116.1:c.321+1390G>T in the primary transcript. In summary, the available evidence is currently insufficient to determine the role of this variant in disease. Therefore, it has been classified as a Variant of Uncertain Significance.

NM_007078.3(LDB3):c.433G>T (p.Ala145Ser)

Gene: LDB3 (LIM domain binding 3; plus strand). Cytogenetic location: 10q23.2.
Variant type: single nucleotide variant.
Coding change: c.433G>T on transcript NM_007078.3 (MANE Select); coding-DNA position 433, G replaced by T.
Protein change: p.Ala145Ser; replaces alanine 145 with serine.
Molecular consequence: missense variant. On other transcripts: intron variant (5).
Genome position (GRCh38, 1-based): chr10:86,681,547, G>T. VCF-style: chr10-86681547-G-T. GRCh37 (hg19) VCF-style: chr10-88441304-G-T.
Other names: c.433G>T, p.Ala145Ser (NM_001080115.2, NM_001171610.2, NM_001171611.2 and 3 more transcripts); c.321+1390G>T (NM_001368068.1, NM_001368066.1, NM_001080114.2 and 2 more transcripts); short protein forms A145S.
Identifiers: ClinVar variation 1571723 (VCV001571723.10), dbSNP rs758814399, ClinGen allele CA5584705.